The following is an entry in ClinVar:

ClinVar aggregate classification (germline): Uncertain significance (1 of 4 stars; one submission).

Conditions:
Charcot-Marie-Tooth disease type 4. Also called: Charcot-Marie-Tooth disease, type IV; Charcot-Marie-Tooth, Type 4. Identifiers: Orphanet 64749, MedGen C4082197, MONDO:0018995.

Allele frequency attached by ClinVar (database versions not stated): gnomAD exomes below 0.00001.
gnomAD v4.1: 3 of 1,614,060 alleles (0.00019%); highest among the groups gnomAD compares: Non-Finnish European, 0.00017%; no homozygotes.

Submission:

Labcorp Genetics (formerly Invitae), Labcorp
Classification: Uncertain significance for Charcot-Marie-Tooth disease type 4. Last evaluated: 2020-09-09. Review status: criteria provided, single submitter. Criteria: Invitae Variant Classification Sherloc (09022015). Collection method: clinical testing. Allele origin: germline.
Comment: This sequence change falls in intron 13 of the NDRG1 gene. It does not directly change the encoded amino acid sequence of the NDRG1 protein, but it affects a nucleotide within the consensus splice site of the intron. This variant is not present in population databases (ExAC no frequency). This variant has not been reported in the literature in individuals with NDRG1-related conditions. Nucleotide substitutions within the consensus splice site are a relatively common cause of aberrant splicing (PMID: 17576681, 9536098). Algorithms developed to predict the effect of sequence changes on RNA splicing suggest that this variant may disrupt the consensus splice site, but this prediction has not been confirmed by published transcriptional studies. In summary, the available evidence is currently insufficient to determine the role of this variant in disease. Therefore, it has been classified as a Variant of Uncertain Significance.

Literature cited by the submitters: PubMed 17576681; PubMed 9536098.

NM_006096.4(NDRG1):c.855+4C>G

Gene: NDRG1 (N-myc downstream regulated 1; minus strand). Cytogenetic location: 8q24.22.
Variant type: single nucleotide variant.
Coding change: c.855+4C>G on transcript NM_006096.4 (MANE Select); 4 bases into the intron after coding-DNA position 855, C replaced by G.
Molecular consequence: intron variant.
Genome position (GRCh38, 1-based): chr8:133,246,612, G>C on the plus strand (C>G on the coding strand, the complement: NDRG1 is on the minus strand). VCF-style: chr8-133246612-G-C. GRCh37 (hg19) VCF-style: chr8-134258855-G-C.
Other names: c.657+4C>G (NM_001258432.2, NM_001374847.1); c.612+4C>G (NM_001258433.2); c.906+4C>G (NM_001374844.1); c.855+4C>G (NM_001135242.2, NM_001374845.1, NM_001374846.1).
Identifiers: ClinVar variation 1038388 (VCV001038388.4), dbSNP rs1045595033, ClinGen allele CA1821163180.